The following is an entry in ClinVar:

ClinVar aggregate classification (germline): Uncertain significance (1 of 4 stars; one submission).

Conditions:
Familial focal epilepsy with variable foci (FPEVF). Identifiers: Orphanet 98820, MedGen C1858477, MONDO:0020310.

Submission:

Labcorp Genetics (formerly Invitae), Labcorp
Classification: Uncertain significance for Familial focal epilepsy with variable foci. Last evaluated: 2022-08-21. Review status: criteria provided, single submitter. Criteria: Invitae Variant Classification Sherloc (09022015). Collection method: clinical testing. Allele origin: germline.
Comment: This sequence change replaces aspartic acid, which is acidic and polar, with histidine, which is basic and polar, at codon 722 of the DEPDC5 protein (p.Asp722His). This variant is not present in population databases (gnomAD no frequency). This variant has not been reported in the literature in individuals affected with DEPDC5-related conditions. Algorithms developed to predict the effect of missense changes on protein structure and function are either unavailable or do not agree on the potential impact of this missense change (SIFT: "Deleterious"; PolyPhen-2: "Not Available"; Align-GVGD: "Class C0"). In summary, the available evidence is currently insufficient to determine the role of this variant in disease. Therefore, it has been classified as a Variant of Uncertain Significance.

NM_001242896.3(DEPDC5):c.2164G>C (p.Asp722His)

Gene: DEPDC5 (DEP domain containing 5, GATOR1 subcomplex subunit; plus strand). Cytogenetic location: 22q12.3.
Variant type: single nucleotide variant.
Coding change: c.2164G>C on transcript NM_001242896.3 (MANE Select); coding-DNA position 2164, G replaced by C.
Protein change: p.Asp722His; replaces aspartic acid 722 with histidine.
Molecular consequence: missense variant. On other transcripts: non-coding transcript variant (5).
Genome position (GRCh38, 1-based): chr22:31,833,974, G>C. VCF-style: chr22-31833974-G-C. GRCh37 (hg19) VCF-style: chr22-32229960-G-C.
Other names: c.2164G>C, p.Asp722His (NM_001136029.4, NM_001363852.2, NM_001364318.2 and 3 more transcripts); c.1930G>C, p.Asp644His (NM_001242897.2, NM_001363854.2, NM_001364319.2); c.2080G>C, p.Asp694His (NM_001369901.1, NM_001369902.1); short protein forms D694H, D644H, D722H.
Identifiers: ClinVar variation 2012734 (VCV002012734.4), dbSNP rs2519791396, ClinGen allele CA411284355.